The following is an entry in ClinVar:

NM_138694.4(PKHD1):c.8602T>C (p.Trp2868Arg)

Gene: PKHD1 (PKHD1 ciliary IPT domain containing fibrocystin/polyductin; minus strand). Cytogenetic location: 6p12.3.
Variant type: single nucleotide variant.
Coding change: c.8602T>C on transcript NM_138694.4 (MANE Select); coding-DNA position 8602, T replaced by C.
Protein change: p.Trp2868Arg; replaces tryptophan 2868 with arginine.
Molecular consequence: missense variant.
Genome position (GRCh38, 1-based): chr6:51,772,742, A>G on the plus strand (T>C on the coding strand, the complement: PKHD1 is on the minus strand). VCF-style: chr6-51772742-A-G. GRCh37 (hg19) VCF-style: chr6-51637540-A-G.
Other names: c.8602T>C, p.Trp2868Arg (NM_170724.3); short protein forms W2868R.
Identifiers: ClinVar variation 4807080 (VCV004807080.1).
Genomic context (GRCh38, chr6:51,772,742, plus strand): 5'-AAGTTACTCTCATTCCTTACCTCTCATTTCCTGAGGCAATATCAGCTCCAAGATGTGTCC[A>G]GGAGTTCTTAGGATAAGCACTGTAAAGATGAACTTTCCCATAAACCCCTGAAAATAAAAG-3'
Protein context (NP_619639.3, residues 2858-2878): HLYSAYPKNS[Trp2868Arg]THLGADIASG

ClinVar aggregate classification (germline): Uncertain significance (1 of 4 stars; one submission).

Conditions:
Autosomal recessive polycystic kidney disease (ARPKD). Also called: AR polycystic kidney disease. Identifiers: Orphanet 731, Orphanet 8378, MedGen C0085548, MeSH D017044, MONDO:0009889.

gnomAD v4.1: 3 of 1,599,810 alleles (0.00019%); highest among the groups gnomAD compares: Non-Finnish European, 0.00026%; no homozygotes.

Submission:

Labcorp Genetics (formerly Invitae), Labcorp
Classification: Uncertain significance for Autosomal recessive polycystic kidney disease. Last evaluated: 2025-05-05. Review status: criteria provided, single submitter. Criteria: Invitae Variant Classification Sherloc (09022015). Collection method: clinical testing. Allele origin: germline.
Comment: This sequence change replaces tryptophan, which is neutral and slightly polar, with arginine, which is basic and polar, at codon 2868 of the PKHD1 protein (p.Trp2868Arg). This variant is present in population databases (rs761855679, gnomAD 0.002%). This variant has not been reported in the literature in individuals affected with PKHD1-related conditions. Invitae Evidence Modeling of protein sequence and biophysical properties (such as structural, functional, and spatial information, amino acid conservation, physicochemical variation, residue mobility, and thermodynamic stability) indicates that this missense variant is expected to disrupt PKHD1 protein function with a positive predictive value of 95%. In summary, the available evidence is currently insufficient to determine the role of this variant in disease. Therefore, it has been classified as a Variant of Uncertain Significance.